The following is an entry in ClinVar:

NM_016239.4(MYO15A):c.2287C>T (p.Arg763Trp)

Gene: MYO15A (myosin XVA; plus strand). Cytogenetic location: 17p11.2.
Variant type: single nucleotide variant.
Coding change: c.2287C>T on transcript NM_016239.4 (MANE Select); coding-DNA position 2287, C replaced by T.
Protein change: p.Arg763Trp; replaces arginine 763 with tryptophan.
Molecular consequence: missense variant.
Genome position (GRCh38, 1-based): chr17:18,121,087, C>T. VCF-style: chr17-18121087-C-T. GRCh37 (hg19) VCF-style: chr17-18024401-C-T.
Other names: short protein forms R763W.
Identifiers: ClinVar variation 322125 (VCV000322125.29), dbSNP rs754311954, ClinGen allele CA8423242.
Genomic context (GRCh38, chr17:18,121,087, plus strand): 5'-CCCTCGTTCAGGGGCTCCCGCCGGAGAGGGGCGGCTTTCGGCTTCCCCGGGGCCTCTCCA[C>T]GGGCGTCGCGGAGGCGAGCTTGGTCACCGCTGGCCTCGCCCCAGCCCTCGCTGAGGAGCT-3'
Protein context (NP_057323.3, residues 753-773): AAFGFPGASP[Arg763Trp]ASRRRAWSPL

ClinVar aggregate classification (germline): Conflicting classifications of pathogenicity. Review status: criteria provided, conflicting classifications (1 of 4 stars). 5 submissions from 5 submitters: Uncertain significance (4); Likely benign (1). Last evaluated 2026-01-08.

Conditions:
Inborn genetic diseases. Identifiers: MedGen C0950123, MeSH D030342.
Autosomal recessive nonsyndromic hearing loss 3. Also called: NEUROSENSORY NONSYNDROMIC RECESSIVE DEAFNESS 3. Identifiers: Orphanet 90636, MedGen C1838263, MONDO:0010860, OMIM 600316.

Allele frequency attached by ClinVar (database versions not stated): gnomAD exomes 0.00002 and 0.00003; gnomAD 0.00014 and 0.00015; TOPMed 0.00014; ExAC 0.00020.
gnomAD v4.1: 42 of 1,503,430 alleles (0.0028%); highest among the groups gnomAD compares: African/African-American, 0.04%; no homozygotes.

Submissions (5):

GeneDx
Classification: Uncertain significance. Last evaluated: 2026-01-08. Review status: criteria provided, single submitter. Criteria: GeneDx Variant Classification Process June 2021. Collection method: clinical testing. Allele origin: germline.
Comment: In silico analysis suggests that this missense variant does not alter protein structure/function; Has not been previously published as pathogenic or benign to our knowledge

Ambry Genetics
Classification: Uncertain significance for Inborn genetic diseases. Last evaluated: 2025-08-02. Review status: criteria provided, single submitter. Criteria: Ambry Variant Classification Scheme 2023. Collection method: clinical testing. Allele origin: germline.

Labcorp Genetics (formerly Invitae), Labcorp
Classification: Likely benign. Last evaluated: 2024-10-11. Review status: criteria provided, single submitter. Criteria: Invitae Variant Classification Sherloc (09022015). Collection method: clinical testing. Allele origin: germline.

CeGaT Center for Human Genetics Tuebingen
Classification: Uncertain significance. Last evaluated: 2024-07-01. Review status: criteria provided, single submitter. Criteria: CeGaT Center For Human Genetics Tuebingen Variant Classification Criteria Version 2. Collection method: clinical testing. Allele origin: germline. Affected: yes. Observed: 1 variant allele.
Comment: MYO15A: PM2

Illumina Laboratory Services, Illumina
Classification: Uncertain significance for Autosomal recessive nonsyndromic hearing loss 3. Last evaluated: 2018-01-13. Review status: criteria provided, single submitter. Criteria: ICSL Variant Classification Criteria 13 December 2019. Collection method: clinical testing. Allele origin: germline.